The following is an entry in ClinVar:

ClinVar aggregate classification (germline): Likely pathogenic (1 of 4 stars; one submission).

Conditions:
Mitochondrial complex II deficiency, nuclear type 1. Also called: SUCCINATE CoQ REDUCTASE DEFICIENCY. Identifiers: Orphanet 3208, MedGen C5700310, MONDO:0100294, OMIM 252011.
Pheochromocytoma/paraganglioma syndrome 5. Also called: Paragangliomas 5; SDHA-Related Hereditary Paraganglioma-Pheochromocytoma Syndrome. Identifiers: Orphanet 29072, MedGen C3279992, MONDO:0013602, OMIM 614165.

Submission:

Labcorp Genetics (formerly Invitae), Labcorp
Classification: Likely pathogenic for Pheochromocytoma/paraganglioma syndrome 5; Mitochondrial complex II deficiency, nuclear type 1. Last evaluated: 2025-10-14. Review status: criteria provided, single submitter. Criteria: Invitae Variant Classification Sherloc (09022015). Collection method: clinical testing. Allele origin: germline.
Comment: This sequence change affects an acceptor splice site in intron 7 of the SDHA gene. RNA analysis indicates that disruption of this splice site induces altered splicing and may result in an absent or altered protein product. This variant is not present in population databases (gnomAD no frequency). This variant has not been reported in the literature in individuals affected with SDHA-related conditions. Studies have shown that disruption of this splice site results in activation of a cryptic splice site, and produces a non-functional protein and/or introduces a premature termination codon (internal data). In summary, the currently available evidence indicates that the variant is pathogenic, but additional data are needed to prove that conclusively. Therefore, this variant has been classified as Likely Pathogenic.

NM_004168.4(SDHA):c.896-1G>A

Gene: SDHA (succinate dehydrogenase complex flavoprotein subunit A; plus strand). Cytogenetic location: 5p15.33.
Variant type: single nucleotide variant.
Coding change: c.896-1G>A on transcript NM_004168.4 (MANE Select); the canonical splice acceptor site of the intron before coding-DNA position 896, G replaced by A.
Molecular consequence: splice acceptor variant.
Genome position (GRCh38, 1-based): chr5:233,476, G>A. VCF-style: chr5-233476-G-A. GRCh37 (hg19) VCF-style: chr5-233591-G-A.
Other names: c.896-1G>A (NM_001330758.2); c.752-1G>A (NM_001294332.2).
Identifiers: ClinVar variation 4788282 (VCV004788282.1).